The following is an entry in ClinVar:

ClinVar aggregate classification (germline): Benign/Likely benign. Review status: criteria provided, multiple submitters, no conflicts (2 of 4 stars). 7 submissions from 7 submitters: Benign (2); Likely benign (4). 1 of the submissions does not count toward it. Last evaluated 2026-07-01.

Conditions:
Hereditary cancer-predisposing syndrome. Also called: Neoplastic Syndromes, Hereditary; Tumor predisposition; Hereditary Cancer Syndrome; Hereditary neoplastic syndrome. Identifiers: Orphanet 140162, MedGen C0027672, MeSH D009386, MONDO:0015356.
Hereditary breast ovarian cancer syndrome. Also called: Hereditary breast and/or ovarian cancer syndrome; Hereditary breast and ovarian cancer syndrome; Hereditary breast and ovarian cancer; Hereditary breast and ovarian cancer syndrome (HBOC); Breast and ovarian cancer; BRCA1- and BRCA2-Associated Hereditary Breast and Ovarian Cancer. Identifiers: Orphanet 145, MedGen C0677776, MeSH D061325, MONDO:0003582. Disease mechanism: loss of function.
Breast-ovarian cancer, familial, susceptibility to, 2 (BROVCA2). Also called: BRCA2 Hereditary Breast and Ovarian Cancer. Identifiers: Orphanet 145, MedGen C2675520, MONDO:0012933, OMIM 612555. Disease mechanism: loss of function.

Allele frequency attached by ClinVar (database versions not stated): gnomAD exomes 0.00011 and 0.00017; ExAC 0.00012; TOPMed 0.00012; gnomAD 0.00005 and 0.00006.
gnomAD v4.1: 167 of 1,571,856 alleles (0.011%); highest among the groups gnomAD compares: Non-Finnish European, 0.0029%; no homozygotes.

Submissions (7):

CeGaT Center for Human Genetics Tuebingen
Classification: Likely benign. Last evaluated: 2026-07-01. Review status: criteria provided, single submitter. Criteria: CeGaT Center For Human Genetics Tuebingen Variant Classification Criteria Version 2. Collection method: clinical testing. Allele origin: germline. Affected: yes. Observed: 5 variant alleles.
Comment: BRCA2: BP4

Labcorp Genetics (formerly Invitae), Labcorp
Classification: Benign for Hereditary breast ovarian cancer syndrome. Last evaluated: 2025-08-07. Review status: criteria provided, single submitter. Criteria: Invitae Variant Classification Sherloc (09022015). Collection method: clinical testing. Allele origin: germline.

Center for Genomic Medicine, Rigshospitalet, Copenhagen University Hospital
Classification: Likely benign. Last evaluated: 2025-03-04. Review status: criteria provided, single submitter. Criteria: ACMG Guidelines, 2015. Collection method: clinical testing. Allele origin: germline.

Sema4
Classification: Likely benign for Hereditary cancer-predisposing syndrome. Last evaluated: 2021-02-01. Review status: criteria provided, single submitter. Criteria: Sema4 Curation Guidelines. Collection method: curation. Allele origin: germline.

ARUP Laboratories, Molecular Genetics and Genomics, ARUP Laboratories
Classification: Benign. Last evaluated: 2016-10-13. Review status: criteria provided, single submitter. Criteria: ARUP Molecular Germline Variant Investigation Process. Collection method: clinical testing. Allele origin: germline.

Department of Pathology and Laboratory Medicine, Sinai Health System
Classification: Likely benign. Review status: criteria provided, single submitter. Criteria: ACMG Guidelines, 2015. Collection method: clinical testing. Allele origin: germline. Affected: yes. Study: The Canadian Open Genetics Repository (COGR).

Breast Cancer Information Core (BIC) (BRCA2)
Classification: Uncertain significance for Breast-ovarian cancer, familial 2. Last evaluated: 1997-11-13. Review status: no assertion criteria provided. Collection method: clinical testing. Allele origin: germline. Affected: yes. Observed: 1 variant allele. Not counted in ClinVar's aggregate classification.

NM_000059.4(BRCA2):c.426-37T>A

Gene: BRCA2 (BRCA2 DNA repair associated; plus strand). Cytogenetic location: 13q13.1.
Variant type: single nucleotide variant.
Coding change: c.426-37T>A on transcript NM_000059.4 (MANE Select); 37 bases into the intron before coding-DNA position 426, T replaced by A.
Molecular consequence: intron variant.
Genome position (GRCh38, 1-based): chr13:32,326,064, T>A. VCF-style: chr13-32326064-T-A. GRCh37 (hg19) VCF-style: chr13-32900201-T-A.
Other names: IVS4-37T/A.
Identifiers: ClinVar variation 51621 (VCV000051621.35), dbSNP rs81002859, ClinGen allele CA019853.
Genomic context (GRCh38, chr13:32,326,064, plus strand): 5'-AATTTATATGAATGAGAATCTTCTTTTAAAAATAAGATAAACTAGTTTTTGCCAGTTTTT[T>A]AAAATAACCTAAGGGATTTGCTTTGTTTTATTTTAGTCCTGTTGTTCTACAATGTACACA-3'